The following is an entry in ClinVar:

ClinVar aggregate classification (germline): Uncertain significance (1 of 4 stars; one submission).

Conditions:
Epilepsy, X-linked 1, with variable learning disabilities and behavior disorders. Also called: X-linked epilepsy-learning disabilities-behavior disorders syndrome. Identifiers: Orphanet 85294, MedGen C5774177, MONDO:0010339, OMIM 300491.

Submission:

Labcorp Genetics (formerly Invitae), Labcorp
Classification: Uncertain significance for Epilepsy, X-linked 1, with variable learning disabilities and behavior disorders. Last evaluated: 2023-11-06. Review status: criteria provided, single submitter. Criteria: Invitae Variant Classification Sherloc (09022015). Collection method: clinical testing. Allele origin: unknown.
Comment: A copy number gain of the genomic region encompassing the full coding sequence of the SYN1 gene has been identified. The boundaries of this event are unknown as they extend beyond the assayed region for this gene and therefore may encompass additional genes. As the precise location of this event is unknown, it may be in tandem or it may be located elsewhere in the genome. This variant has not been reported in the literature in individuals affected with SYN1-related conditions. In summary, the available evidence is currently insufficient to determine the role of this variant in disease. Therefore, it has been classified as a Variant of Uncertain Significance.

NC_000023.10:g.(?_46466387)_(51241672_?)dup

Genes: NUDT11 (nudix hydrolase 11; minus strand), GAGE12D (G antigen 12D; plus strand), CACNA1F (calcium voltage-gated channel subunit alpha1 F; minus strand), PRICKLE3 (prickle planar cell polarity protein 3; minus strand), ZNF81 (zinc finger protein 81; plus strand) and 88 more. Cytogenetic location: Xp11.23-11.22.
Variant type: Duplication.
Identifiers: ClinVar variation 3244684 (VCV003244684.1).